The following is an entry in ClinVar:

ClinVar aggregate classification (germline): Benign. Review status: criteria provided, multiple submitters, no conflicts (2 of 4 stars). 2 submissions from 2 submitters: Benign (2). Last evaluated 2018-06-14.

Allele frequency attached by ClinVar (database versions not stated): 1000 Genomes Project 30x 0.09931; gnomAD exomes 0.01442; gnomAD 0.06953 and 0.07143; 1000 Genomes Project 0.09465; TOPMed 0.07573.

Submissions (2):

GeneDx
Classification: Benign. Last evaluated: 2018-06-14. Review status: criteria provided, single submitter. Criteria: GeneDx Variant Classification (06012015). Collection method: clinical testing. Allele origin: germline. Affected: yes.
Comment: This variant is considered likely benign or benign based on one or more of the following criteria: it is a conservative change, it occurs at a poorly conserved position in the protein, it is predicted to be benign by multiple in silico algorithms, and/or has population frequency not consistent with disease.

Breakthrough Genomics
Classification: Benign. Review status: criteria provided, single submitter. Criteria: ACMG Guidelines, 2015. Collection method: not provided. Allele origin: germline. Inheritance: Autosomal dominant inheritance. Affected: yes.

NM_030662.3(MAP2K2):c.-366G>A

Genes: MAP2K2 (mitogen-activated protein kinase kinase 2; minus strand), LOC130063194 (ATAC-STARR-seq lymphoblastoid silent region 9882; plus strand). Cytogenetic location: 19p13.3.
Variant type: single nucleotide variant.
Coding change: c.-366G>A on transcript NM_030662.3; 366 bases upstream of the start codon, G replaced by A.
Genome position (GRCh38, 1-based): chr19:4,124,241, C>T on the plus strand (G>A on the coding strand, the complement: MAP2K2 is on the minus strand). VCF-style: chr19-4124241-C-T. GRCh37 (hg19) VCF-style: chr19-4124238-C-T.
Identifiers: ClinVar variation 561429 (VCV000561429.4), dbSNP rs114504037, ClinGen allele CA304449509.